The following is an entry in ClinVar:

ClinVar aggregate classification (germline): Uncertain significance. Review status: criteria provided, multiple submitters, no conflicts (2 of 4 stars). 2 submissions from 2 submitters: Uncertain significance (2). Last evaluated 2026-01-29.

Conditions:
Hajdu-Cheney syndrome (HJCYS). Also called: ACROOSTEOLYSIS WITH OSTEOPOROSIS AND CHANGES IN SKULL AND MANDIBLE; SERPENTINE FIBULA-POLYCYSTIC KIDNEY SYNDROME; Acroosteolysis dominant type. Identifiers: Orphanet 955, MedGen C0917715, MONDO:0007057, OMIM 102500.

Allele frequency attached by ClinVar (database versions not stated): gnomAD 0.00001; TOPMed 0.00001; gnomAD exomes 0.00002; ExAC 0.00004; 1000 Genomes Project 30x 0.00016.

Submissions (2):

Labcorp Genetics (formerly Invitae), Labcorp
Classification: Uncertain significance for Hajdu-Cheney syndrome. Last evaluated: 2026-01-29. Review status: criteria provided, single submitter. Criteria: Invitae Variant Classification Sherloc (09022015). Collection method: clinical testing. Allele origin: germline.
Comment: This sequence change replaces isoleucine, which is neutral and non-polar, with threonine, which is neutral and polar, at codon 2294 of the NOTCH2 protein (p.Ile2294Thr). This variant is present in population databases (rs754682986, gnomAD 0.03%). This variant has not been reported in the literature in individuals affected with NOTCH2-related conditions. ClinVar contains an entry for this variant (Variation ID: 2639041). Invitae Evidence Modeling of protein sequence and biophysical properties (such as structural, functional, and spatial information, amino acid conservation, physicochemical variation, residue mobility, and thermodynamic stability) indicates that this missense variant is not expected to disrupt NOTCH2 protein function with a negative predictive value of 80%. In summary, the available evidence is currently insufficient to determine the role of this variant in disease. Therefore, it has been classified as a Variant of Uncertain Significance.

CeGaT Center for Human Genetics Tuebingen
Classification: Uncertain significance. Last evaluated: 2023-01-01. Review status: criteria provided, single submitter. Criteria: CeGaT Center For Human Genetics Tuebingen Variant Classification Criteria Version 2. Collection method: clinical testing. Allele origin: germline. Affected: yes. Observed: 1 variant allele.
Comment: NOTCH2: PP2, BP4

NM_024408.4(NOTCH2):c.6881T>C (p.Ile2294Thr)

Gene: NOTCH2 (notch receptor 2; minus strand). Cytogenetic location: 1p12.
Variant type: single nucleotide variant.
Coding change: c.6881T>C on transcript NM_024408.4 (MANE Select); coding-DNA position 6881, T replaced by C.
Protein change: p.Ile2294Thr; replaces isoleucine 2294 with threonine.
Molecular consequence: missense variant.
Genome position (GRCh38, 1-based): chr1:119,915,841, A>G on the plus strand (T>C on the coding strand, the complement: NOTCH2 is on the minus strand). VCF-style: chr1-119915841-A-G. GRCh37 (hg19) VCF-style: chr1-120458464-A-G.
Other names: short protein forms I2294T.
Identifiers: ClinVar variation 2639041 (VCV002639041.26), dbSNP rs754682986, ClinGen allele CA1039361.